The following is an entry in ClinVar:

NM_012123.4(MTO1):c.1591T>A (p.Leu531Ile)

Gene: MTO1 (mitochondrial tRNA translation optimization 1; plus strand). Cytogenetic location: 6q13.
Variant type: single nucleotide variant.
Coding change: c.1591T>A on transcript NM_012123.4 (MANE Select); coding-DNA position 1591, T replaced by A.
Protein change: p.Leu531Ile; replaces leucine 531 with isoleucine.
Molecular consequence: missense variant.
Genome position (GRCh38, 1-based): chr6:73,482,574, T>A. VCF-style: chr6-73482574-T-A. GRCh37 (hg19) VCF-style: chr6-74192297-T-A.
Other names: c.1711T>A, p.Leu571Ile (NM_001123226.2); c.1666T>A, p.Leu556Ile (NM_133645.3); short protein forms L571I, L531I, L556I.
Identifiers: ClinVar variation 1947557 (VCV001947557.5), dbSNP rs780986018, ClinGen allele CA364717599.
Genomic context (GRCh38, chr6:73,482,574, plus strand): 5'-TTAGAAGAAGGCATTTCTGTGTTGAAATCTATTGAGTTTTTGAGCTCTAAATGGAAAAAA[T>A]TAATCCCAGAGGCTTCTATAAGTACTAGTAGAAGTCTGCCTGTCAGGTATGCATTTTTAA-3'
Protein context (NP_036255.2, residues 521-541): IEFLSSKWKK[Leu531Ile]IPEASISTSR

ClinVar aggregate classification (germline): Uncertain significance (1 of 4 stars; one submission).

Conditions:
Mitochondrial hypertrophic cardiomyopathy with lactic acidosis due to MTO1 deficiency. Also called: Combined oxidative phosphorylation deficiency 10; CARDIOMYOPATHY, INFANTILE HYPERTROPHIC MITOCHONDRIAL, AND LACTIC ACIDOSIS. Identifiers: Orphanet 314637, MedGen C4749921, MONDO:0013865, OMIM 614702.

Submission:

Labcorp Genetics (formerly Invitae), Labcorp
Classification: Uncertain significance for Mitochondrial hypertrophic cardiomyopathy with lactic acidosis due to MTO1 deficiency. Last evaluated: 2022-02-22. Review status: criteria provided, single submitter. Criteria: Invitae Variant Classification Sherloc (09022015). Collection method: clinical testing. Allele origin: germline.
Comment: This variant is not present in population databases (gnomAD no frequency). This variant has not been reported in the literature in individuals affected with MTO1-related conditions. Algorithms developed to predict the effect of missense changes on protein structure and function (SIFT, PolyPhen-2, Align-GVGD) all suggest that this variant is likely to be tolerated. In summary, the available evidence is currently insufficient to determine the role of this variant in disease. Therefore, it has been classified as a Variant of Uncertain Significance. This sequence change replaces leucine, which is neutral and non-polar, with isoleucine, which is neutral and non-polar, at codon 531 of the MTO1 protein (p.Leu531Ile).